The following is an entry in ClinVar:

ClinVar aggregate classification (germline): Pathogenic. Review status: criteria provided, multiple submitters, no conflicts (2 of 4 stars). 16 submissions from 16 submitters: Pathogenic (11). 5 of the submissions do not count toward it. Last evaluated 2026-08-06.

Conditions:
COQ8A-related disorder. Also called: COQ8A-related condition.
COQ8A-related disorders.
Autosomal recessive ataxia due to ubiquinone deficiency. Also called: SPINOCEREBELLAR ATAXIA, AUTOSOMAL RECESSIVE 9; Coenzyme Q10 deficiency, primary, 4. Identifiers: Orphanet 139485, MedGen C2677589, MONDO:0012784, OMIM 612016.

Allele frequency attached by ClinVar (database versions not stated): gnomAD exomes 0.00005; gnomAD 0.00006 and 0.00005; TOPMed 0.00005; ExAC 0.00005.
gnomAD v4.1: 59 of 1,598,866 alleles (0.0037%); highest among the groups gnomAD compares: Admixed American, 0.0069%; no homozygotes.

Submissions (16):

OLLIN Analises Genomicas, OLLIN
Classification: Pathogenic for Autosomal recessive ataxia due to ubiquinone deficiency. Last evaluated: 2026-08-06. Review status: criteria provided, single submitter. Criteria: ACMG Guidelines 2015 PMID 25741868. Collection method: clinical testing. Allele origin: germline.
Comment: This nonsense variant, located in exon 8 (of 15), has been reported in ClinVar (accession VCV000217876.2), in gnomAD with an allele frequency of 0.0037%, and in the scientific literature, in compound heterozygosity, in individuals with COQ8A related disorders (PMID: 20580948). This variant introduces a premature stop codon, which is predicted to result in either a truncated protein or degradation of the mRNA via nonsense-mediated decay (NMD). According to the currently available evidence, this variant has been classified as pathogenic (PVS1, PM2_P, PM3_VS).

Labcorp Genetics (formerly Invitae), Labcorp
Classification: Pathogenic. Last evaluated: 2025-08-28. Review status: criteria provided, single submitter. Criteria: Invitae Variant Classification Sherloc (09022015). Collection method: clinical testing. Allele origin: germline.
Comment: This sequence change creates a premature translational stop signal (p.Arg348*) in the COQ8A gene. It is expected to result in an absent or disrupted protein product. Loss-of-function variants in COQ8A are known to be pathogenic (PMID: 18319074, 20580948). This variant is present in population databases (rs771578775, gnomAD 0.009%). This premature translational stop signal has been observed in individual(s) with cerebellar ataxia and childhood onset ataxia (PMID: 20580948, 21873089, 29915382). ClinVar contains an entry for this variant (Variation ID: 242458). For these reasons, this variant has been classified as Pathogenic.

PreventionGenetics, part of Exact Sciences
Classification: Pathogenic for COQ8A-related condition. Last evaluated: 2025-03-07. Review status: criteria provided, single submitter. Criteria: ACMG Guidelines, 2015. Collection method: clinical testing. Allele origin: germline.
Comment: The COQ8A c.1042C>T variant is predicted to result in premature protein termination (p.Arg348*). This variant has been reported in the homozygous or compound heterozygous state in multiple individuals with progressive cerebellar ataxia and atrophy (Gerards et al. 2010. PubMed ID: 20580948; Terracciano et al. 2011. PubMed ID: 21873089; Sun et al. 2018. PubMed ID: 29915382) and has shown segregation with disease in at least one family (Gerards et al. 2010. PubMed ID: 20580948). Fibroblast cultures show this variant does result in nonsense mediated decay (Gerards et al. 2010. PubMed ID: 20580948). This variant is reported in 0.0094% of alleles in individuals of Latino descent in gnomAD. Nonsense variants in COQ8A are expected to be pathogenic. This variant is interpreted as pathogenic.

3billion
Classification: Pathogenic for Autosomal recessive ataxia due to ubiquinone deficiency. Last evaluated: 2025-02-17. Review status: criteria provided, single submitter. Criteria: ACMG Guidelines, 2015. Collection method: clinical testing. Allele origin: germline. Affected: yes.
Comment: The variant is observed at an extremely low frequency in the gnomAD v4.1.0 dataset (total allele frequency: 0.004%). Predicted Consequence/Location: Stop-gained (nonsense): predicted to result in a loss or disruption of normal protein function through nonsense-mediated decay (NMD) or protein truncation. Multiple pathogenic variants are reported downstream of the variant. The variant has been reported at least twice as pathogenic with clinical assertions and evidence for the classification (ClinVar ID: VCV000242458 /PMID: 20580948 /3billion dataset). Therefore, this variant is classified as Pathogenic according to the recommendation of ACMG/AMP guideline.

Blueprint Genetics
Classification: Pathogenic for COQ8A-related disorders. Last evaluated: 2024-05-03. Review status: criteria provided, single submitter. Criteria: ACMG Guidelines, 2015. Collection method: clinical testing. Allele origin: germline. Affected: yes. Observed: 5 variant alleles.

Mayo Clinic Laboratories, Mayo Clinic
Classification: Pathogenic. Last evaluated: 2023-05-31. Review status: criteria provided, single submitter. Criteria: ACMG Guidelines, 2015. Collection method: clinical testing. Allele origin: germline. Observed: 1 variant allele.
Comment: PP1, PM2, PS4_moderate, PVS1

CeGaT Center for Human Genetics Tuebingen
Classification: Pathogenic. Last evaluated: 2022-06-01. Review status: criteria provided, single submitter. Criteria: CeGaT Center For Human Genetics Tuebingen Variant Classification Criteria Version 2. Collection method: clinical testing. Allele origin: germline. Affected: yes. Observed: 1 variant allele.
Comment: COQ8A: PVS1, PM2, PM3

GeneDx
Classification: Pathogenic. Last evaluated: 2021-12-13. Review status: criteria provided, single submitter. Criteria: GeneDx Variant Classification Process June 2021. Collection method: clinical testing. Allele origin: germline. Affected: yes.
Comment: Nonsense variant predicted to result in protein truncation or nonsense mediated decay in a gene for which loss-of-function is a known mechanism of disease; Not observed at significant frequency in large population cohorts (Lek et al., 2016); This variant is associated with the following publications: (PMID: 24218524, 21873089, 20580948, 25525159, 28125198, 29915382, 31589614, 32337771)

Fulgent Genetics
Classification: Pathogenic for Autosomal recessive ataxia due to ubiquinone deficiency. Last evaluated: 2021-09-05. Review status: criteria provided, single submitter. Criteria: ACMG Guidelines, 2015. Collection method: clinical testing. Allele origin: unknown.

Molecular Medicine for Neurodegenerative and Neuromuscular Diseases Unit, IRCCS Fondazione Stella Maris
Classification: Pathogenic for Autosomal recessive ataxia due to ubiquinone deficiency. Last evaluated: 2021-01-04. Review status: criteria provided, single submitter. Criteria: ACMG Guidelines, 2015. Collection method: research. Allele origin: unknown. Affected: yes.

Genetic Services Laboratory, University of Chicago
Classification: Pathogenic for Coenzyme Q10 deficiency, primary, 4. Last evaluated: 2016-08-31. Review status: criteria provided, single submitter. Criteria: ACMG Guidelines, 2015. Collection method: clinical testing. Allele origin: germline. Affected: yes.

Clinical Genetics DNA and cytogenetics Diagnostics Lab, Erasmus MC, Erasmus Medical Center
Classification: Pathogenic. Review status: no assertion criteria provided. Collection method: clinical testing. Allele origin: germline. Affected: yes. Study: VKGL Data-share Consensus. Not counted in ClinVar's aggregate classification.

GeneReviews
No classification provided. Condition: Autosomal recessive ataxia due to ubiquinone deficiency. Review status: no classification provided. Collection method: literature only. Allele origin: germline. Not counted in ClinVar's aggregate classification.

Genome Diagnostics Laboratory, Amsterdam University Medical Center
Classification: Pathogenic. Review status: no assertion criteria provided. Collection method: clinical testing. Allele origin: germline. Affected: yes. Study: VKGL Data-share Consensus. Not counted in ClinVar's aggregate classification.

Joint Genome Diagnostic Labs from Nijmegen and Maastricht, Radboudumc and MUMC+
Classification: Pathogenic. Review status: no assertion criteria provided. Collection method: clinical testing. Allele origin: germline. Affected: yes. Study: VKGL Data-share Consensus. Not counted in ClinVar's aggregate classification.

Laboratory of Diagnostic Genome Analysis, Leiden University Medical Center (LUMC)
Classification: Pathogenic. Review status: no assertion criteria provided. Collection method: clinical testing. Allele origin: germline. Affected: yes. Study: VKGL Data-share Consensus. Not counted in ClinVar's aggregate classification.

Literature cited by the submitters: PubMed 20580948 (cited by 4 submitters); PubMed 18319074 (cited by Labcorp Genetics (formerly Invitae), Labcorp); PubMed 21873089 (cited by Labcorp Genetics (formerly Invitae), Labcorp and Mayo Clinic Laboratories, Mayo Clinic); PubMed 29915382 (cited by Labcorp Genetics (formerly Invitae), Labcorp and Mayo Clinic Laboratories, Mayo Clinic); PubMed 25525159 (cited by Mayo Clinic Laboratories, Mayo Clinic); PubMed 31589614 (cited by Mayo Clinic Laboratories, Mayo Clinic); PubMed 34445196 (cited by Mayo Clinic Laboratories, Mayo Clinic); NCBI Bookshelf NBK410087 (cited by GeneReviews).

NM_020247.5(COQ8A):c.1042C>T (p.Arg348Ter)

Gene: COQ8A (coenzyme Q8A; plus strand). Cytogenetic location: 1q42.13.
Variant type: single nucleotide variant.
Coding change: c.1042C>T on transcript NM_020247.5 (MANE Select); coding-DNA position 1042, C replaced by T.
Protein change: p.Arg348Ter; replaces arginine 348 with a stop codon.
Molecular consequence: nonsense.
Genome position (GRCh38, 1-based): chr1:226,982,996, C>T. VCF-style: chr1-226982996-C-T. GRCh37 (hg19) VCF-style: chr1-227170697-C-T.
Other names: p.Arg348*; short protein forms R348*.
Identifiers: ClinVar variation 242458 (VCV000242458.58), dbSNP rs771578775, ClinGen allele CA056987.
Genomic context (GRCh38, chr1:226,982,996, plus strand): 5'-TTGGAATACTTCGAGGAGCGGCCCTTCGCCGCCGCATCCATTGGGCAGGTGCACTTGGCC[C>T]GAATGAAGGGCGGCCGCGAGGTGGCCATGAAGATCCAGGTAGGCGGCCTGATGCGCAGTG-3'